The following is an entry in ClinVar:

NM_004523.4(KIF11):c.1189G>T (p.Gly397Ter)

Gene: KIF11 (kinesin family member 11; plus strand). Cytogenetic location: 10q23.33.
Variant type: single nucleotide variant.
Coding change: c.1189G>T on transcript NM_004523.4 (MANE Select); coding-DNA position 1189, G replaced by T.
Protein change: p.Gly397Ter; replaces glycine 397 with a stop codon.
Molecular consequence: nonsense.
Genome position (GRCh38, 1-based): chr10:92,621,445, G>T. VCF-style: chr10-92621445-G-T. GRCh37 (hg19) VCF-style: chr10-94381202-G-T.
Other names: short protein forms G397*.
Identifiers: ClinVar variation 3637353 (VCV003637353.3).

ClinVar aggregate classification (germline): Pathogenic. Review status: criteria provided, multiple submitters, no conflicts (2 of 4 stars). 2 submissions from 2 submitters: Pathogenic (2). Last evaluated 2025-08-01.

Conditions:
Microcephaly with or without chorioretinopathy, lymphedema, or impaired intellectual development. Also called: MICROCEPHALY, LYMPHEDEMA, CHORIORETINAL DYSPLASIA SYNDROME; Microcephaly lymphedema chorioretinal dysplasia; MICROCEPHALY AND CHORIORETINOPATHY WITH OR WITHOUT MENTAL RETARDATION, AUTOSOMAL DOMINANT; Microcephaly with or without chorioretinopathy, lymphedema, or mental retardation; Microcephaly with or without chorioretinopathy, lymphedema, or intellectual disability. Identifiers: Orphanet 2526, MedGen C1835265, MONDO:0007918, OMIM 152950.

Submissions (2):

3billion
Classification: Pathogenic for Microcephaly with or without chorioretinopathy, lymphedema, or impaired intellectual development. Last evaluated: 2025-08-01. Review status: criteria provided, single submitter. Criteria: ACMG Guidelines, 2015. Collection method: clinical testing. Allele origin: germline. Affected: yes.
Comment: The variant is not observed in the gnomAD v4.1.0 dataset. Predicted Consequence/Location: Stop-gained (nonsense): predicted to result in a loss or disruption of normal protein function through nonsense-mediated decay (NMD) or protein truncation. Multiple pathogenic variants are reported downstream of the variant. The variant has been reported to be associated with KIF11-related disorder (ClinVar ID: VCV003637353). Therefore, this variant is classified as Pathogenic according to the recommendation of ACMG/AMP guideline.

Labcorp Genetics (formerly Invitae), Labcorp
Classification: Pathogenic. Last evaluated: 2024-02-06. Review status: criteria provided, single submitter. Criteria: Invitae Variant Classification Sherloc (09022015). Collection method: clinical testing. Allele origin: germline.
Comment: This sequence change creates a premature translational stop signal (p.Gly397*) in the KIF11 gene. It is expected to result in an absent or disrupted protein product. Loss-of-function variants in KIF11 are known to be pathogenic (PMID: 22284827, 24281367). This variant is not present in population databases (gnomAD no frequency). This variant has not been reported in the literature in individuals affected with KIF11-related conditions. For these reasons, this variant has been classified as Pathogenic.

Literature cited by the submitters: PubMed 22284827 (cited by Labcorp Genetics (formerly Invitae), Labcorp); PubMed 24281367 (cited by Labcorp Genetics (formerly Invitae), Labcorp).